The following is an entry in ClinVar:

ClinVar aggregate classification (germline): Pathogenic. Review status: criteria provided, single submitter (1 of 4 stars). 2 submissions from 2 submitters: Pathogenic (1). 1 of the submissions does not count toward it. Last evaluated 2024-04-10.

Conditions:
Congenital primary aphakia. Also called: Anterior segment dysgenesis 2, multiple subtypes; ANTERIOR SEGMENT DYSGENESIS 2. Identifiers: Orphanet 83461, MedGen C1853230, MONDO:0012456, OMIM 610256.
Anterior segment dysgenesis. Also called: Ocular anterior segment dysgenesis. Identifiers: Orphanet 88632, MedGen C1862839, MONDO:0019503, HP:0007700.

Submissions (2):

Labcorp Genetics (formerly Invitae), Labcorp
Classification: Pathogenic for Anterior segment dysgenesis; Congenital primary aphakia. Last evaluated: 2024-04-10. Review status: criteria provided, single submitter. Criteria: Invitae Variant Classification Sherloc (09022015). Collection method: clinical testing. Allele origin: germline.
Comment: This sequence change creates a premature translational stop signal (p.Met7Ilefs*216) in the FOXE3 gene. While this is not anticipated to result in nonsense mediated decay, it is expected to disrupt the last 313 amino acid(s) of the FOXE3 protein. This variant is present in population databases (no rsID available, gnomAD 0.007%). This premature translational stop signal has been observed in individuals with autosomal recessive FOXE3-related conditions (PMID: 19708017, 25504734, 26995144). ClinVar contains an entry for this variant (Variation ID: 1077103). Algorithms developed to predict the effect of variants on protein structure and function are not available or were not evaluated for this variant. Experimental studies have shown that this premature translational stop signal affects FOXE3 function (PMID: 25504734). This variant disrupts a region of the FOXE3 protein in which other variant(s) (p.Cys240*) have been determined to be pathogenic (PMID: 16826526, 20140963, 24033328). This suggests that this is a clinically significant region of the protein, and that variants that disrupt it are likely to be disease-causing. For these reasons, this variant has been classified as Pathogenic.

Genomics, Genetics and Epigenetics Laboratory, Medical College of Wisconsin
Classification: Pathogenic for Congenital primary aphakia. Last evaluated: 2021-05-01. Review status: no assertion criteria provided. Collection method: research. Allele origin: germline. Affected: yes. Not counted in ClinVar's aggregate classification.

Literature cited by the submitters: PubMed 19708017 (cited by Labcorp Genetics (formerly Invitae), Labcorp); PubMed 25504734 (cited by Labcorp Genetics (formerly Invitae), Labcorp); PubMed 26995144 (cited by Labcorp Genetics (formerly Invitae), Labcorp); PubMed 16826526 (cited by Labcorp Genetics (formerly Invitae), Labcorp); PubMed 20140963 (cited by Labcorp Genetics (formerly Invitae), Labcorp); PubMed 24033328 (cited by Labcorp Genetics (formerly Invitae), Labcorp); PubMed 34046667 (cited by Genomics, Genetics and Epigenetics Laboratory, Medical College of Wisconsin).

NM_012186.3(FOXE3):c.21_24del (p.Met7fs)

Genes: FOXE3 (forkhead box E3; plus strand), LINC01389 (long independently transcribed non-coding RNA 1389; minus strand). Cytogenetic location: 1p33.
Variant type: Deletion.
Coding change: c.21_24del on transcript NM_012186.3 (MANE Select); coding-DNA positions 21 to 24, 4 bases deleted (GGAT; older notation c.21_24delGGAT).
Protein change: p.Met7fs; shifts the reading frame from methionine 7.
Molecular consequence: frameshift variant.
Genome position (GRCh38, 1-based): chr1:47,416,336-47,416,339, GGAT deleted; deleting any 4 consecutive bases within chr1:47,416,334-47,416,339 gives the same sequence; the c. name uses the placement nearest the transcript's 3' end. VCF-style (leftmost placement, unchanged base first): chr1-47416333-CATGG-C. GRCh37 (hg19) VCF-style: chr1-47882005-CATGG-C.
Other names: short protein forms M7fs.
Identifiers: ClinVar variation 1077103 (VCV001077103.5), dbSNP rs1464817302, ClinGen allele CA522813454.
Genomic context (GRCh38, chr1:47,416,333, plus strand): 5'-CCCTGCGGTCCCGGAGCCGCGCGGGCAGGGGCTGCCGCAGCCGATGGCGGGGCGCAGCGA[CATGG>C]ATCCGCCCGCCGCGTTCTCTGGCTTCCCTGCCCTGCCAGCGGTCGCGCCGTCGGGGCCGC-3'